The following is an entry in ClinVar:

NM_152419.3(HGSNAT):c.1463A>G (p.Gln488Arg)

Gene: HGSNAT (heparan-alpha-glucosaminide N-acetyltransferase; plus strand). Cytogenetic location: 8p11.21.
Variant type: single nucleotide variant.
Coding change: c.1463A>G on transcript NM_152419.3 (MANE Select); coding-DNA position 1463, A replaced by G.
Protein change: p.Gln488Arg; replaces glutamine 488 with arginine.
Molecular consequence: missense variant.
Genome position (GRCh38, 1-based): chr8:43,193,842, A>G. VCF-style: chr8-43193842-A-G. GRCh37 (hg19) VCF-style: chr8-43048985-A-G.
Other names: c.1463A>G, p.Gln488Arg (NM_001363227.2); c.1271A>G, p.Gln424Arg (NM_001363228.2); c.599A>G, p.Gln200Arg (NM_001363229.2); short protein forms Q488R, Q200R, Q424R.
Identifiers: ClinVar variation 4790087 (VCV004790087.1).
Genomic context (GRCh38, chr8:43,193,842, plus strand): 5'-ATGACCCCGAGGGCATCCTGGGCACCATCAACTCCATCGTGATGGCCTTTTTAGGAGTTC[A>G]GGTATTTGTTCATTTCATTAGGTTACTTTTTCTGACAATTTATGATATTTTATTCACTCA-3'
Protein context (NP_689632.2, residues 478-498): NSIVMAFLGV[Gln488Arg]AGKILLYYKA

ClinVar aggregate classification (germline): Uncertain significance (1 of 4 stars; one submission).

Conditions:
Retinitis pigmentosa 73 (RP73). Identifiers: Orphanet 791, MedGen C4225287, MONDO:0014687, OMIM 616544.
Mucopolysaccharidosis, MPS-III-C (MPS3C). Also called: MPS IIIC (Sanfilippo Syndrome Type C); SANFILIPPO SYNDROME C; MPS III C; Mucopolysaccharidosis type IIIC (Sanfilippo C); MUCOPOLYSACCHARIDOSIS, TYPE IIIC; mucopolysaccharidosis type 3C. Identifiers: Orphanet 581, Orphanet 79271, MedGen C0086649, MONDO:0009657, OMIM 252930.

Submission:

Labcorp Genetics (formerly Invitae), Labcorp
Classification: Uncertain significance for Retinitis pigmentosa 73; Mucopolysaccharidosis, MPS-III-C. Last evaluated: 2026-01-08. Review status: criteria provided, single submitter. Criteria: Invitae Variant Classification Sherloc (09022015). Collection method: clinical testing. Allele origin: germline.
Comment: This sequence change replaces glutamine, which is neutral and polar, with arginine, which is basic and polar, at codon 488 of the HGSNAT protein (p.Gln488Arg). This variant is not present in population databases (gnomAD no frequency). This variant has not been reported in the literature in individuals affected with HGSNAT-related conditions. An algorithm developed to predict the effect of missense changes on protein structure and function (PolyPhen-2) suggests that this variant is likely to be disruptive. Algorithms developed to predict the effect of sequence changes on RNA splicing suggest that this variant may disrupt the consensus splice site. In summary, the available evidence is currently insufficient to determine the role of this variant in disease. Therefore, it has been classified as a Variant of Uncertain Significance.